The following is an entry in ClinVar:

NM_018082.6(POLR3B):c.242A>T (p.Tyr81Phe)

Gene: POLR3B (RNA polymerase III subunit B; plus strand). Cytogenetic location: 12q23.3.
Variant type: single nucleotide variant.
Coding change: c.242A>T on transcript NM_018082.6 (MANE Select); coding-DNA position 242, A replaced by T.
Protein change: p.Tyr81Phe; replaces tyrosine 81 with phenylalanine.
Molecular consequence: missense variant.
Genome position (GRCh38, 1-based): chr12:106,369,289, A>T. VCF-style: chr12-106369289-A-T. GRCh37 (hg19) VCF-style: chr12-106763067-A-T.
Other names: c.68A>T, p.Tyr23Phe (NM_001160708.2); short protein forms Y23F, Y81F.
Identifiers: ClinVar variation 1461077 (VCV001461077.6), dbSNP rs1252178907, ClinGen allele CA386385669.

ClinVar aggregate classification (germline): Uncertain significance (1 of 4 stars; one submission).

Allele frequency attached by ClinVar (database versions not stated): gnomAD 0.00001; TOPMed 0.00001.
gnomAD v4.1: 4 of 1,588,374 alleles (0.00025%); highest among the groups gnomAD compares: East Asian, 0.0067%; no homozygotes.

Submission:

Labcorp Genetics (formerly Invitae), Labcorp
Classification: Uncertain significance. Last evaluated: 2024-12-03. Review status: criteria provided, single submitter. Criteria: Invitae Variant Classification Sherloc (09022015). Collection method: clinical testing. Allele origin: germline.
Comment: This sequence change replaces tyrosine, which is neutral and polar, with phenylalanine, which is neutral and non-polar, at codon 81 of the POLR3B protein (p.Tyr81Phe). This variant is not present in population databases (gnomAD no frequency). This variant has not been reported in the literature in individuals affected with POLR3B-related conditions. ClinVar contains an entry for this variant (Variation ID: 1461077). Invitae Evidence Modeling of protein sequence and biophysical properties (such as structural, functional, and spatial information, amino acid conservation, physicochemical variation, residue mobility, and thermodynamic stability) indicates that this missense variant is not expected to disrupt POLR3B protein function with a negative predictive value of 80%. In summary, the available evidence is currently insufficient to determine the role of this variant in disease. Therefore, it has been classified as a Variant of Uncertain Significance.